The following is an entry in ClinVar:

NM_014727.3(KMT2B):c.322G>A (p.Val108Met)

Gene: KMT2B (lysine methyltransferase 2B; plus strand). Cytogenetic location: 19q13.12.
Variant type: single nucleotide variant.
Coding change: c.322G>A on transcript NM_014727.3 (MANE Select); coding-DNA position 322, G replaced by A.
Protein change: p.Val108Met; replaces valine 108 with methionine.
Molecular consequence: missense variant.
Genome position (GRCh38, 1-based): chr19:35,718,340, G>A. VCF-style: chr19-35718340-G-A. GRCh37 (hg19) VCF-style: chr19-36209242-G-A.
Other names: short protein forms V108M.
Identifiers: ClinVar variation 3645251 (VCV003645251.2).

ClinVar aggregate classification (germline): Uncertain significance (1 of 4 stars; one submission).

gnomAD v4.1: 4 of 1,259,766 alleles (0.00032%); highest among the groups gnomAD compares: Non-Finnish European, 0.0004%; no homozygotes.

Submission:

Labcorp Genetics (formerly Invitae), Labcorp
Classification: Uncertain significance. Last evaluated: 2025-08-18. Review status: criteria provided, single submitter. Criteria: Invitae Variant Classification Sherloc (09022015). Collection method: clinical testing. Allele origin: germline.
Comment: This sequence change replaces valine, which is neutral and non-polar, with methionine, which is neutral and non-polar, at codon 108 of the KMT2B protein (p.Val108Met). This variant is not present in population databases (gnomAD no frequency). This variant has not been reported in the literature in individuals affected with KMT2B-related conditions. ClinVar contains an entry for this variant (Variation ID: 3645251). Invitae Evidence Modeling of protein sequence and biophysical properties (such as structural, functional, and spatial information, amino acid conservation, physicochemical variation, residue mobility, and thermodynamic stability) indicates that this missense variant is not expected to disrupt KMT2B protein function with a negative predictive value of 95%. In summary, the available evidence is currently insufficient to determine the role of this variant in disease. Therefore, it has been classified as a Variant of Uncertain Significance.